The following is an entry in ClinVar:

NM_001287491.2(TET3):c.4014C>T (p.Ala1338=)

Gene: TET3 (tet methylcytosine dioxygenase 3; plus strand). Cytogenetic location: 2p13.1.
Variant type: single nucleotide variant.
Coding change: c.4014C>T on transcript NM_001287491.2 (MANE Select); coding-DNA position 4014, C replaced by T.
Protein change: p.Ala1338=; no amino-acid change (alanine 1338 retained).
Molecular consequence: synonymous variant.
Genome position (GRCh38, 1-based): chr2:74,100,802, C>T. VCF-style: chr2-74100802-C-T. GRCh37 (hg19) VCF-style: chr2-74327929-C-T.
Other names: c.3735C>T, p.Ala1245= (NM_001366022.1).
Identifiers: ClinVar variation 3388726 (VCV003388726.15).

ClinVar aggregate classification (germline): Likely benign. Review status: criteria provided, multiple submitters, no conflicts (2 of 4 stars). 2 submissions from 2 submitters: Likely benign (2). Last evaluated 2024-11-01.

gnomAD v4.1: 62 of 1,612,744 alleles (0.0038%); highest among the groups gnomAD compares: African/African-American, 0.035%; no homozygotes.

Submissions (2):

CeGaT Center for Human Genetics Tuebingen
Classification: Likely benign. Last evaluated: 2024-11-01. Review status: criteria provided, single submitter. Criteria: CeGaT Center For Human Genetics Tuebingen Variant Classification Criteria Version 2. Collection method: clinical testing. Allele origin: germline. Affected: yes. Observed: 1 variant allele.
Comment: TET3: BP4, BP7

Blueprint Genetics
Classification: Likely benign. Last evaluated: 2021-04-12. Review status: criteria provided, single submitter. Criteria: ACMG Guidelines, 2015. Collection method: clinical testing. Allele origin: germline.